The following is an entry in ClinVar:

ClinVar aggregate classification (germline): Uncertain significance (1 of 4 stars; one submission).

Conditions:
Inborn genetic diseases. Identifiers: MedGen C0950123, MeSH D030342.

Allele frequency attached by ClinVar (database versions not stated): TOPMed below 0.00001.

Submission:

Ambry Genetics
Classification: Uncertain significance for Inborn genetic diseases. Last evaluated: 2024-04-28. Review status: criteria provided, single submitter. Criteria: Ambry Variant Classification Scheme 2023. Collection method: clinical testing. Allele origin: germline.
Comment: The p.N992S variant (also known as c.2975A>G), located in coding exon 23 of the LRRK2 gene, results from an A to G substitution at nucleotide position 2975. The asparagine at codon 992 is replaced by serine, an amino acid with highly similar properties. This amino acid position is conserved. In addition, the in silico prediction for this alteration is inconclusive. Since supporting evidence is limited at this time, the clinical significance of this alteration remains unclear.

NM_198578.4(LRRK2):c.2975A>G (p.Asn992Ser)

Gene: LRRK2 (leucine rich repeat kinase 2; plus strand). Cytogenetic location: 12q12.
Variant type: single nucleotide variant.
Coding change: c.2975A>G on transcript NM_198578.4 (MANE Select); coding-DNA position 2975, A replaced by G.
Protein change: p.Asn992Ser; replaces asparagine 992 with serine.
Molecular consequence: missense variant.
Genome position (GRCh38, 1-based): chr12:40,295,523, A>G. VCF-style: chr12-40295523-A-G. GRCh37 (hg19) VCF-style: chr12-40689325-A-G.
Other names: short protein forms N992S.
Identifiers: ClinVar variation 1798322 (VCV001798322.3), dbSNP rs1944348681, ClinGen allele CA384412699.